The following is an entry in ClinVar:

NM_017617.5(NOTCH1):c.4577G>T (p.Gly1526Val)

Gene: NOTCH1 (notch receptor 1; minus strand). Cytogenetic location: 9q34.3.
Variant type: single nucleotide variant.
Coding change: c.4577G>T on transcript NM_017617.5 (MANE Select); coding-DNA position 4577, G replaced by T.
Protein change: p.Gly1526Val; replaces glycine 1526 with valine.
Molecular consequence: missense variant.
Genome position (GRCh38, 1-based): chr9:136,505,319, C>A on the plus strand (G>T on the coding strand, the complement: NOTCH1 is on the minus strand). VCF-style: chr9-136505319-C-A. GRCh37 (hg19) VCF-style: chr9-139399771-C-A.
Other names: short protein forms G1526V.
Identifiers: ClinVar variation 3880482 (VCV003880482.1).
Genomic context (GRCh38, chr9:136,505,319, plus strand): 5'-CCACATCCAAGTTCAGGTCCTCCCTCAGCCCCATGAGCCCCGCAGCCTTACTTGCACTGG[C>A]CTTCCGCACGCTGGCAGTCAAAGCCGTCGAAGAGGCAGCCGGCTGAGTTGCACTGGCTGT-3'
Protein context (NP_060087.3, residues 1516-1536): FDGFDCQRAE[Gly1526Val]QCNPLYDQYC

ClinVar aggregate classification (germline): Uncertain significance (1 of 4 stars; one submission).

Conditions:
Familial thoracic aortic aneurysm and aortic dissection (TAAD). Also called: Thoracic aortic aneurysms and dissections. Identifiers: Orphanet 91387, MedGen C4707243, MONDO:0019625.

Submission:

Ambry Genetics
Classification: Uncertain significance for Familial thoracic aortic aneurysm and aortic dissection. Last evaluated: 2025-01-19. Review status: criteria provided, single submitter. Criteria: Ambry Variant Classification Scheme 2023. Collection method: clinical testing. Allele origin: germline.
Comment: The p.G1526V variant (also known as c.4577G>T), located in coding exon 25 of the NOTCH1 gene, results from a G to T substitution at nucleotide position 4577. The glycine at codon 1526 is replaced by valine, an amino acid with dissimilar properties. This amino acid position is conserved. In addition, this alteration is predicted to be tolerated by in silico analysis. Based on the available evidence, the clinical significance of this variant remains unclear.